The following is an entry in ClinVar:

NC_000020.10:g.(?_62059700)_(62071081_?)del

Gene: KCNQ2 (potassium voltage-gated channel subfamily Q member 2; minus strand). Cytogenetic location: 20q13.33.
Variant type: Deletion.
Identifiers: ClinVar variation 2427474 (VCV002427474.4).

ClinVar aggregate classification (germline): Pathogenic (1 of 4 stars; one submission).

Conditions:
Developmental and epileptic encephalopathy. Identifiers: MedGen C5779964, MONDO:0100620.

Submission:

Labcorp Genetics (formerly Invitae), Labcorp
Classification: Pathogenic for Early-infantile DEE. Last evaluated: 2022-03-19. Review status: criteria provided, single submitter. Criteria: Invitae Variant Classification Sherloc (09022015). Collection method: clinical testing. Allele origin: germline.
Comment: For these reasons, this variant has been classified as Pathogenic. This variant has not been reported in the literature in individuals affected with KCNQ2-related conditions. This variant is a gross deletion of the genomic region encompassing exon(s) 6-10 of the KCNQ2 gene. This deletion is out-of-frame, and is expected to create a premature termination codon and result in an absent or disrupted protein product. Loss-of-function variants in KCNQ2 are known to be pathogenic (PMID: 14534157, 23692823, 27779742).

Literature cited by the submitters: PubMed 14534157; PubMed 23692823; PubMed 27779742.